The following is an entry in ClinVar:

NM_001873.4(CPE):c.929T>C (p.Val310Ala)

Gene: CPE (carboxypeptidase E; plus strand). Cytogenetic location: 4q32.3.
Variant type: single nucleotide variant.
Coding change: c.929T>C on transcript NM_001873.4 (MANE Select); coding-DNA position 929, T replaced by C.
Protein change: p.Val310Ala; replaces valine 310 with alanine.
Molecular consequence: missense variant.
Genome position (GRCh38, 1-based): chr4:165,484,560, T>C. VCF-style: chr4-165484560-T-C. GRCh37 (hg19) VCF-style: chr4-166405712-T-C.
Other names: short protein forms V310A.
Identifiers: ClinVar variation 3352174 (VCV003352174.1).

ClinVar aggregate classification (germline): Uncertain significance (0 of 4 stars; one submission).

Conditions:
CPE-related disorder. Also called: CPE-related condition.

Submission:

PreventionGenetics, part of Exact Sciences
Classification: Uncertain significance for CPE-related condition. Last evaluated: 2024-05-02. Review status: no assertion criteria provided. Collection method: clinical testing. Allele origin: germline.
Comment: The CPE c.929T>C variant is predicted to result in the amino acid substitution p.Val310Ala. To our knowledge, this variant has not been reported in the literature. This variant is reported in 0.0054% of alleles in individuals of East Asian descent in gnomAD. At this time, the clinical significance of this variant is uncertain due to the absence of conclusive functional and genetic evidence.